The following continues an entry in ClinVar:

NM_201548.5(CERKL):c.769C>T (p.Arg257Ter)

Gene: CERKL. ClinVar aggregate classification (germline): Pathogenic/Likely pathogenic. Pathogenic (35); Likely pathogenic (2).

Submissions 33 to 47 of 47:

Centre for Mendelian Genomics, University Medical Centre Ljubljana
Classification: Pathogenic for Cone-rod dystrophy; Retinal pigment epithelial atrophy. Last evaluated: 2017-01-01. Review status: criteria provided, single submitter. Criteria: ACMG Guidelines, 2015. Collection method: clinical testing. Allele origin: unknown. Affected: yes.

Eurofins Ntd Llc (ga)
Classification: Pathogenic. Last evaluated: 2016-12-16. Review status: criteria provided, single submitter. Criteria: EGL Classification Definitions 2015. Collection method: clinical testing. Allele origin: germline. Observed: 4 variant alleles, 4 heterozygotes.

Clinical Genetics Service, Universitary Hospital 12 de Octubre
Classification: Pathogenic for Retinitis pigmentosa 26. Review status: criteria provided, single submitter. Criteria: ACMG Guidelines, 2015. Collection method: clinical testing. Allele origin: germline. Affected: yes.

Genomics England Pilot Project, Genomics England
Classification: Likely pathogenic for Retinitis pigmentosa 26. Review status: criteria provided, single submitter. Criteria: ACGS Guidelines, 2016. Collection method: clinical testing. Allele origin: germline. Affected: yes.

Kariminejad - Najmabadi Pathology & Genetics Center
Classification: Pathogenic for Retinitis pigmentosa 26. Review status: criteria provided, single submitter. Criteria: ACMG Guidelines, 2015. Collection method: clinical testing. Allele origin: germline. Affected: no.

Sharon lab, Hadassah-Hebrew University Medical Center
Classification: Pathogenic for Cone-rod degeneration. Last evaluated: 2019-06-23. Review status: no assertion criteria provided. Collection method: research. Allele origin: inherited. Affected: yes. Not counted in ClinVar's aggregate classification.

Department of Clinical Genetics, Copenhagen University Hospital, Rigshospitalet
Classification: Pathogenic for Cone-rod dystrophy. Last evaluated: 2018-04-01. Review status: no assertion criteria provided. Collection method: research. Allele origin: unknown. Affected: yes. Study: VeluxRD. Not counted in ClinVar's aggregate classification.

Department of Clinical Genetics, Copenhagen University Hospital, Rigshospitalet
Classification: Likely pathogenic for Retinitis pigmentosa. Last evaluated: 2018-04-01. Review status: no assertion criteria provided. Collection method: research. Allele origin: unknown. Affected: yes. Study: VeluxRD. Not counted in ClinVar's aggregate classification.

Joint Genome Diagnostic Labs from Nijmegen and Maastricht, Radboudumc and MUMC+
Classification: Pathogenic for Cone-rod dystrophy. Last evaluated: 2016-09-01. Review status: no assertion criteria provided. Collection method: clinical testing. Allele origin: unknown. Affected: yes. Observed: 1 variant allele. Not counted in ClinVar's aggregate classification.

NIHR Bioresource Rare Diseases, University of Cambridge
Classification: Pathogenic for Retinitis pigmentosa. Last evaluated: 2015-01-01. Review status: no assertion criteria provided. Collection method: research. Allele origin: unknown. Affected: yes. Observed: 3 variant alleles. Not counted in ClinVar's aggregate classification.

NIHR Bioresource Rare Diseases, University of Cambridge
Classification: Pathogenic for Retinal dystrophy. Last evaluated: 2015-01-01. Review status: no assertion criteria provided. Collection method: research. Allele origin: unknown. Affected: yes. Observed: 2 variant alleles. Not counted in ClinVar's aggregate classification.

OMIM
Classification: Pathogenic for RETINITIS PIGMENTOSA 26. Last evaluated: 2013-10-01. Review status: no assertion criteria provided. Collection method: literature only. Allele origin: germline. Not counted in ClinVar's aggregate classification.

Clinical Genetics DNA and cytogenetics Diagnostics Lab, Erasmus MC, Erasmus Medical Center
Classification: Pathogenic. Review status: no assertion criteria provided. Collection method: clinical testing. Allele origin: germline. Affected: yes. Study: VKGL Data-share Consensus. Not counted in ClinVar's aggregate classification.

Clinical Genetics, Academic Medical Center
Classification: Pathogenic. Review status: no assertion criteria provided. Collection method: clinical testing. Allele origin: germline. Affected: yes. Study: VKGL Data-share Consensus. Not counted in ClinVar's aggregate classification.

Joint Genome Diagnostic Labs from Nijmegen and Maastricht, Radboudumc and MUMC+
Classification: Pathogenic. Review status: no assertion criteria provided. Collection method: clinical testing. Allele origin: germline. Affected: yes. Study: VKGL Data-share Consensus. Not counted in ClinVar's aggregate classification.

Literature cited by the submitters: PubMed 25999674 (cited by Research Institute for Ophthalmology and Vision Science, Shahid Beheshti University of Medical Sciences and Illumina Laboratory Services, Illumina); PubMed 25472526 (cited by Natera, Inc.); PubMed 14681825 (cited by 11 submitters); PubMed 21151602 (cited by 3 submitters); PubMed 22164218 (cited by Dasa and Illumina Laboratory Services, Illumina); PubMed 23591405 (cited by Labcorp Genetics (formerly Invitae), Labcorp); PubMed 24043777 (cited by 3 submitters); PubMed 24625443 (cited by Labcorp Genetics (formerly Invitae), Labcorp); PubMed 25097241 (cited by Labcorp Genetics (formerly Invitae), Labcorp and Institute of Human Genetics, Univ. Regensburg, Univ. Regensburg); PubMed 28041643 (cited by 3 submitters); PubMed 221642182 (cited by Labcorp Genetics (formerly Invitae), Labcorp); PubMed 24705292 (cited by Ophthalmic Genetics Group, Institute of Molecular and Clinical Ophthalmology Basel and Women's Health and Genetics/Laboratory Corporation of America, LabCorp); PubMed 19578027 (cited by Ophthalmic Genetics Group, Institute of Molecular and Clinical Ophthalmology Basel and Women's Health and Genetics/Laboratory Corporation of America, LabCorp); PubMed 40180963 (cited by Ophthalmic Genetics Group, Institute of Molecular and Clinical Ophthalmology Basel); PubMed 36909829 (cited by Ophthalmic Genetics Group, Institute of Molecular and Clinical Ophthalmology Basel); PubMed 15708351 (cited by 3 submitters); PubMed 24123366 (cited by 3 submitters); PubMed 25525159 (cited by Institute of Human Genetics, Univ. Regensburg, Univ. Regensburg); PubMed 28157192 (cited by Institute of Human Genetics, Univ. Regensburg, Univ. Regensburg); PubMed 28559085 (cited by Institute of Human Genetics, Univ. Regensburg, Univ. Regensburg); PubMed 29068140 (cited by Institute of Human Genetics, Univ. Regensburg, Univ. Regensburg); PubMed 29555955 (cited by Institute of Human Genetics, Univ. Regensburg, Univ. Regensburg); PubMed 30337596 (cited by Institute of Human Genetics, Univ. Regensburg, Univ. Regensburg); PubMed 31082679 (cited by Institute of Human Genetics, Univ. Regensburg, Univ. Regensburg); PubMed 31589614 (cited by Institute of Human Genetics, Univ. Regensburg, Univ. Regensburg); PubMed 31054281 (cited by Institute of Human Genetics, Univ. Regensburg, Univ. Regensburg); PubMed 30718709 (cited by Institute of Human Genetics, Univ. Regensburg, Univ. Regensburg and Department of Clinical Genetics, Copenhagen University Hospital, Rigshospitalet); PubMed 33322828 (cited by Institute of Human Genetics, Univ. Regensburg, Univ. Regensburg); PubMed 31964843 (cited by Institute of Human Genetics, Univ. Regensburg, Univ. Regensburg); PubMed 32411380 (cited by Institute of Human Genetics, Univ. Regensburg, Univ. Regensburg); PubMed 32036094 (cited by Institute of Human Genetics, Univ. Regensburg, Univ. Regensburg); PubMed 32865075 (cited by Institute of Human Genetics, Univ. Regensburg, Univ. Regensburg); PubMed 31456290 (cited by Institute of Human Genetics, Univ. Regensburg, Univ. Regensburg); PubMed 32581362 (cited by Institute of Human Genetics, Univ. Regensburg, Univ. Regensburg); PubMed 32037395 (cited by Institute of Human Genetics, Univ. Regensburg, Univ. Regensburg); PubMed 33576794 (cited by Institute of Human Genetics, Univ. Regensburg, Univ. Regensburg); PubMed 34315337 (cited by Institute of Human Genetics, Univ. Regensburg, Univ. Regensburg); PubMed 34426522 (cited by Institute of Human Genetics, Univ. Regensburg, Univ. Regensburg); PubMed 33749171 (cited by Institute of Human Genetics, Univ. Regensburg, Univ. Regensburg); PubMed 34758253 (cited by Institute of Human Genetics, Univ. Regensburg, Univ. Regensburg); PubMed 35119454 (cited by Institute of Human Genetics, Univ. Regensburg, Univ. Regensburg); PubMed 36460718 (cited by Institute of Human Genetics, Univ. Regensburg, Univ. Regensburg); PubMed 35456422 (cited by Institute of Human Genetics, Univ. Regensburg, Univ. Regensburg); PubMed 36819107 (cited by Institute of Human Genetics, Univ. Regensburg, Univ. Regensburg); PubMed 34906470 (cited by Broad Center for Mendelian Genomics, Broad Institute of MIT and Harvard).